The following is an entry in ClinVar:

ClinVar aggregate classification (germline): Uncertain significance (1 of 4 stars; one submission).

Conditions:
Inborn genetic diseases. Identifiers: MedGen C0950123, MeSH D030342.

Submission:

Ambry Genetics
Classification: Uncertain significance for Inborn genetic diseases. Last evaluated: 2025-07-16. Review status: criteria provided, single submitter. Criteria: Ambry Variant Classification Scheme 2023. Collection method: clinical testing. Allele origin: germline.
Comment: The p.Y820S variant (also known as c.2459A>C), located in coding exon 26 of the RTEL1 gene, results from an A to C substitution at nucleotide position 2459. The tyrosine at codon 820 is replaced by serine, an amino acid with dissimilar properties. This amino acid position is conserved. In addition, the in silico prediction for this alteration is inconclusive. Based on the available evidence, the clinical significance of this variant remains unclear.

NM_001283009.2(RTEL1):c.2459A>C (p.Tyr820Ser)

Genes: RTEL1 (regulator of telomere elongation helicase 1; plus strand), RTEL1-TNFRSF6B (RTEL1-TNFRSF6B readthrough (NMD candidate); plus strand). Cytogenetic location: 20q13.33.
Variant type: single nucleotide variant.
Coding change: c.2459A>C on transcript NM_001283009.2 (MANE Select); coding-DNA position 2459, A replaced by C.
Protein change: p.Tyr820Ser; replaces tyrosine 820 with serine.
Molecular consequence: missense variant. On other transcripts: non-coding transcript variant (1).
Genome position (GRCh38, 1-based): chr20:63,690,850, A>C. VCF-style: chr20-63690850-A-C. GRCh37 (hg19) VCF-style: chr20-62322203-A-C.
Other names: c.1790A>C, p.Tyr597Ser (NM_001283010.1); c.2459A>C, p.Tyr820Ser (NM_016434.4); c.2531A>C, p.Tyr844Ser (NM_032957.5); short protein forms Y844S, Y597S, Y820S.
Identifiers: ClinVar variation 4157605 (VCV004157605.1).